The following is an entry in ClinVar:

NM_018325.5(C9orf72):c.477A>G (p.Leu159=)

Gene: C9orf72 (C9orf72-SMCR8 complex subunit; minus strand). Cytogenetic location: 9p21.2.
Variant type: single nucleotide variant.
Coding change: c.477A>G on transcript NM_018325.5 (MANE Select); coding-DNA position 477, A replaced by G.
Protein change: p.Leu159=; no amino-acid change (leucine 159 retained).
Molecular consequence: synonymous variant.
Genome position (GRCh38, 1-based): chr9:27,565,558, T>C on the plus strand (A>G on the coding strand, the complement: C9orf72 is on the minus strand). VCF-style: chr9-27565558-T-C. GRCh37 (hg19) VCF-style: chr9-27565556-T-C.
Other names: c.477A>G, p.Leu159= (NM_001256054.3, NM_145005.7).
Identifiers: ClinVar variation 914442 (VCV000914442.28), dbSNP rs374411112, ClinGen allele CA5017966.
Genomic context (GRCh38, chr9:27,565,558, plus strand): 5'-AAAAACATTTGACAGTATGCAATTTGCATATACCTGATCTTCCATTCTCTCTGTGCCTTC[T>C]AAGATAATCTTCTGGACATTTTCTTGTCTTTCCTGAGCAAGAGAAAATTTATTTAAAAAA-3'
Protein context (NP_060795.1, residues 149-169): ERQENVQKII[Leu159=]EGTERMEDQG

ClinVar aggregate classification (germline): Likely benign. Review status: criteria provided, multiple submitters, no conflicts (2 of 4 stars). 2 submissions from 2 submitters: Likely benign (2). Last evaluated 2022-07-01.

Conditions:
Frontotemporal dementia and/or amyotrophic lateral sclerosis 1 (FTDALS1). Also called: C9orf72 Frontotemporal Dementia and/or Amyotrophic Lateral Sclerosis; Frontotemporal dementia with motor neuron disease 1. Identifiers: Orphanet 275872, MedGen C5779877, MONDO:0007105, OMIM 105550.

Allele frequency attached by ClinVar (database versions not stated): gnomAD 0.00010 and 0.00011; TOPMed 0.00011; gnomAD exomes 0.00013 and 0.00018; ExAC 0.00018; ESP Exome Variant Server 0.00023.
gnomAD v4.1: 276 of 1,606,610 alleles (0.017%); highest among the groups gnomAD compares: Non-Finnish European, 0.022%; no homozygotes.

Submissions (2):

CeGaT Center for Human Genetics Tuebingen
Classification: Likely benign. Last evaluated: 2022-07-01. Review status: criteria provided, single submitter. Criteria: CeGaT Center For Human Genetics Tuebingen Variant Classification Criteria Version 2. Collection method: clinical testing. Allele origin: germline. Affected: yes. Observed: 1 variant allele.
Comment: C9orf72: BP4, BP7

Illumina Laboratory Services, Illumina
Classification: Likely benign for Frontotemporal dementia and/or amyotrophic lateral sclerosis 1. Last evaluated: 2018-01-12. Review status: criteria provided, single submitter. Criteria: ICSL Variant Classification Criteria 13 December 2019. Collection method: clinical testing. Allele origin: germline.
Comment: This variant was observed in the ICSL laboratory as part of a predisposition screen in an ostensibly healthy population. It had not been previously curated by ICSL or reported in the Human Gene Mutation Database (HGMD: prior to June 1st, 2018), and was therefore a candidate for classification through an automated scoring system. Utilizing variant allele frequency, disease prevalence and penetrance estimates, and inheritance mode, an automated score was calculated to assess if this variant is too frequent to cause the disease. Based on the score and internal cut-off values, a variant classified as likely benign is not then subjected to further curation. The score for this variant resulted in a classification of likely benign for this disease.